The following is an entry in ClinVar:

NM_000257.4(MYH7):c.5576A>G (p.Lys1859Arg)

Gene: MYH7 (myosin heavy chain 7; minus strand). Cytogenetic location: 14q11.2.
Variant type: single nucleotide variant.
Coding change: c.5576A>G on transcript NM_000257.4 (MANE Select); coding-DNA position 5576, A replaced by G.
Protein change: p.Lys1859Arg; replaces lysine 1859 with arginine.
Molecular consequence: missense variant.
Genome position (GRCh38, 1-based): chr14:23,414,086, T>C on the plus strand (A>G on the coding strand, the complement: MYH7 is on the minus strand). VCF-style: chr14-23414086-T-C. GRCh37 (hg19) VCF-style: chr14-23883295-T-C.
Other names: c.5576A>G, p.Lys1859Arg (NM_001407004.1); short protein forms K1859R.
Identifiers: ClinVar variation 2182371 (VCV002182371.4), dbSNP rs2502234758, ClinGen allele CA389034941.
Genomic context (GRCh38, chr14:23,414,086, plus strand): 5'-TTGTAGGCCTTGACCTTTAGCTGCAGCTTGTCTACCAGGTCCTGCAGCCGCAGCAGGTTT[T>C]TCCTGTCCTCCTCCGTCTGGGGGCCAGAGGGTAGGCAGGGGGTGAAGATGGCACAGTCAT-3'
Protein context (NP_000248.2, residues 1849-1869): ELTYQTEEDR[Lys1859Arg]NLLRLQDLVD

ClinVar aggregate classification (germline): Uncertain significance (1 of 4 stars; one submission).

Conditions:
Hypertrophic cardiomyopathy. Also called: HYPERTROPHIC MYOCARDIOPATHY. Identifiers: Orphanet 217569, MedGen C0007194, MeSH D002312, MONDO:0005045, HP:0001639.

Allele frequency attached by ClinVar (database versions not stated): gnomAD exomes below 0.00001.
gnomAD v4.1: 2 of 1,613,376 alleles (0.00012%); highest among the groups gnomAD compares: Non-Finnish European, 0.00017%; no homozygotes.

Submission:

Labcorp Genetics (formerly Invitae), Labcorp
Classification: Uncertain significance for Hypertrophic cardiomyopathy. Last evaluated: 2022-03-31. Review status: criteria provided, single submitter. Criteria: Invitae Variant Classification Sherloc (09022015). Collection method: clinical testing. Allele origin: germline.
Comment: In summary, the available evidence is currently insufficient to determine the role of this variant in disease. Therefore, it has been classified as a Variant of Uncertain Significance. Algorithms developed to predict the effect of missense changes on protein structure and function are either unavailable or do not agree on the potential impact of this missense change (SIFT: "Deleterious"; PolyPhen-2: "Not Available"; Align-GVGD: "Class C0"). This variant has not been reported in the literature in individuals affected with MYH7-related conditions. This variant is not present in population databases (gnomAD no frequency). This sequence change replaces lysine, which is basic and polar, with arginine, which is basic and polar, at codon 1859 of the MYH7 protein (p.Lys1859Arg).